The following is an entry in ClinVar:

ClinVar aggregate classification (germline): Uncertain significance. Review status: criteria provided, multiple submitters, no conflicts (2 of 4 stars). 2 submissions from 2 submitters: Uncertain significance (2). Last evaluated 2022-12-23.

Conditions:
Facioscapulohumeral muscular dystrophy 2 (FSHD2). Also called: MUSCULAR DYSTROPHY, FACIOSCAPULOHUMERAL, TYPE 1B; FACIOSCAPULOHUMERAL MUSCULAR DYSTROPHY 2, DIGENIC; FSHD2, DIGENIC. Identifiers: Orphanet 269, MedGen C1834671, MONDO:0008031, OMIM 158901.

Submissions (2):

GeneDx
Classification: Uncertain significance. Last evaluated: 2022-12-23. Review status: criteria provided, single submitter. Criteria: GeneDx Variant Classification Process June 2021. Collection method: clinical testing. Allele origin: germline. Affected: yes.
Comment: Not observed at significant frequency in large population cohorts (gnomAD); In silico analysis supports that this missense variant has a deleterious effect on protein structure/function; Has not been previously published as pathogenic or benign to our knowledge

Labcorp Genetics (formerly Invitae), Labcorp
Classification: Uncertain significance for Facioscapulohumeral muscular dystrophy 2. Last evaluated: 2020-11-27. Review status: criteria provided, single submitter. Criteria: Invitae Variant Classification Sherloc (09022015). Collection method: clinical testing. Allele origin: germline.
Comment: In summary, the available evidence is currently insufficient to determine the role of this variant in disease. Therefore, it has been classified as a Variant of Uncertain Significance. Algorithms developed to predict the effect of missense changes on protein structure and function (SIFT, PolyPhen-2, Align-GVGD) all suggest that this variant is likely to be disruptive, but these predictions have not been confirmed by published functional studies and their clinical significance is uncertain. This variant has not been reported in the literature in individuals with SMCHD1-related conditions. This variant is not present in population databases (ExAC no frequency). This sequence change replaces valine with glycine at codon 615 of the SMCHD1 protein (p.Val615Gly). The valine residue is highly conserved and there is a moderate physicochemical difference between valine and glycine.

NM_015295.3(SMCHD1):c.1844T>G (p.Val615Gly)

Gene: SMCHD1 (structural maintenance of chromosomes flexible hinge domain containing 1; plus strand). Cytogenetic location: 18p11.32.
Variant type: single nucleotide variant.
Coding change: c.1844T>G on transcript NM_015295.3 (MANE Select); coding-DNA position 1844, T replaced by G.
Protein change: p.Val615Gly; replaces valine 615 with glycine.
Molecular consequence: missense variant.
Genome position (GRCh38, 1-based): chr18:2,705,695, T>G. VCF-style: chr18-2705695-T-G. GRCh37 (hg19) VCF-style: chr18-2705693-T-G.
Other names: c.1844T>G (NM_015295.2); short protein forms V615G.
Identifiers: ClinVar variation 1471670 (VCV001471670.8), dbSNP rs2143233414, ClinGen allele CA401679449.